The following is an entry in ClinVar:

ClinVar aggregate classification (germline): Uncertain significance. Review status: criteria provided, multiple submitters, no conflicts (2 of 4 stars). 2 submissions from 2 submitters: Uncertain significance (2). Last evaluated 2024-05-21.

Conditions:
Familial hemiplegic migraine. Identifiers: MedGen C0338484, MONDO:0000700.

Allele frequency attached by ClinVar (database versions not stated): gnomAD exomes 0.00001; TOPMed 0.00001; gnomAD 0.00002; ExAC 0.00004.
gnomAD v4.1: 4 of 1,611,308 alleles (0.00025%); highest among the groups gnomAD compares: African/African-American, 0.0027%; no homozygotes.

Submissions (2):

Labcorp Genetics (formerly Invitae), Labcorp
Classification: Uncertain significance for Familial hemiplegic migraine. Last evaluated: 2024-05-21. Review status: criteria provided, single submitter. Criteria: Invitae Variant Classification Sherloc (09022015). Collection method: clinical testing. Allele origin: germline.
Comment: This sequence change replaces glycine, which is neutral and non-polar, with valine, which is neutral and non-polar, at codon 19 of the ATP1A2 protein (p.Gly19Val). The frequency data for this variant in the population databases is considered unreliable, as metrics indicate poor data quality at this position in the gnomAD database. This variant has not been reported in the literature in individuals affected with ATP1A2-related conditions. ClinVar contains an entry for this variant (Variation ID: 204900). Advanced modeling of protein sequence and biophysical properties (such as structural, functional, and spatial information, amino acid conservation, physicochemical variation, residue mobility, and thermodynamic stability) has been performed at Invitae for this missense variant, however the output from this modeling did not meet the statistical confidence thresholds required to predict the impact of this variant on ATP1A2 protein function. In summary, the available evidence is currently insufficient to determine the role of this variant in disease. Therefore, it has been classified as a Variant of Uncertain Significance.

GeneDx
Classification: Uncertain significance. Last evaluated: 2014-12-05. Review status: criteria provided, single submitter. Criteria: GeneDx Variant Classification (06012015). Collection method: clinical testing. Allele origin: germline. Affected: yes.
Comment: p.Gly19Val (GGG>GTG): c.56 G>T in exon 2 of the ATP1A2 gene (NM_000702.3). The G19V variant has not been published as a mutation, nor has it been reported as a benign polymorphism to our knowledge. It was not observed in approximately 6,500 individuals of European and African American ancestry in the NHLBI Exome Sequencing Project, indicating it is not a common benign variant in these populations. The G19V variant is a conservative amino acid substitution, which is not likely to impact secondary protein structure as these residues share similar properties. However, this substitution occurs at a position that is conserved in mammals, and in silico analysis is inconsistent in its predictions as to whether or not the variant is damaging to the protein structure/function. Therefore, based on the currently available information, it is unclear whether this variant is a pathogenic mutation or a rare benign variant. The variant is found in EPILEPSY panel(s).

NM_000702.4(ATP1A2):c.56G>T (p.Gly19Val)

Gene: ATP1A2 (ATPase Na+/K+ transporting subunit alpha 2; plus strand). Cytogenetic location: 1q23.2.
Variant type: single nucleotide variant.
Coding change: c.56G>T on transcript NM_000702.4 (MANE Select); coding-DNA position 56, G replaced by T.
Protein change: p.Gly19Val; replaces glycine 19 with valine.
Molecular consequence: missense variant.
Genome position (GRCh38, 1-based): chr1:160,120,949, G>T. VCF-style: chr1-160120949-G-T. GRCh37 (hg19) VCF-style: chr1-160090739-G-T.
Other names: p.G19V:GGG>GTG; short protein forms G19V.
Identifiers: ClinVar variation 204900 (VCV000204900.4), dbSNP rs757373744, ClinGen allele CA313319.